The following is an entry in ClinVar:

ClinVar aggregate classification (germline): Uncertain significance (1 of 4 stars; one submission).

Conditions:
RASopathy. Also called: rasopathies; Noonan spectrum disorder. Identifiers: Orphanet 536391, MedGen C5555857, MONDO:0021060.

Allele frequency attached by ClinVar (database versions not stated): TOPMed below 0.00001; ExAC 0.00001.
gnomAD v4.1: 2 of 1,613,918 alleles (0.00012%); highest among the groups gnomAD compares: Non-Finnish European, 0.00017%; no homozygotes.

Submission:

Labcorp Genetics (formerly Invitae), Labcorp
Classification: Uncertain significance for RASopathy. Last evaluated: 2024-02-24. Review status: criteria provided, single submitter. Criteria: Invitae Variant Classification Sherloc (09022015). Collection method: clinical testing. Allele origin: germline.
Comment: This sequence change replaces glutamine, which is neutral and polar, with histidine, which is basic and polar, at codon 557 of the PTPN11 protein (p.Gln557His). This variant is present in population databases (rs753741561, gnomAD 0.0009%). This variant has not been reported in the literature in individuals affected with PTPN11-related conditions. ClinVar contains an entry for this variant (Variation ID: 1041294). Advanced modeling of protein sequence and biophysical properties (such as structural, functional, and spatial information, amino acid conservation, physicochemical variation, residue mobility, and thermodynamic stability) has been performed at Invitae for this missense variant, however the output from this modeling did not meet the statistical confidence thresholds required to predict the impact of this variant on PTPN11 protein function. In summary, the available evidence is currently insufficient to determine the role of this variant in disease. Therefore, it has been classified as a Variant of Uncertain Significance.

NM_002834.5(PTPN11):c.1671G>C (p.Gln557His)

Gene: PTPN11 (protein tyrosine phosphatase non-receptor type 11; plus strand). Cytogenetic location: 12q24.13.
Variant type: single nucleotide variant.
Coding change: c.1671G>C on transcript NM_002834.5 (MANE Select); coding-DNA position 1671, G replaced by C.
Protein change: p.Gln557His; replaces glutamine 557 with histidine.
Molecular consequence: missense variant.
Genome position (GRCh38, 1-based): chr12:112,502,215, G>C. VCF-style: chr12-112502215-G-C. GRCh37 (hg19) VCF-style: chr12-112940019-G-C.
Other names: c.1683G>C, p.Gln561His (NM_001330437.2); c.1668G>C, p.Gln556His (NM_001374625.1); short protein forms Q561H, Q556H, Q557H.
Identifiers: ClinVar variation 1041294 (VCV001041294.6), dbSNP rs753741561, ClinGen allele CA6798833.